The following is an entry in ClinVar:

NM_001378454.1(ALMS1):c.8963C>A (p.Pro2988His)

Gene: ALMS1 (ALMS1 centrosome and basal body associated protein; plus strand). Cytogenetic location: 2p13.1.
Variant type: single nucleotide variant.
Coding change: c.8963C>A on transcript NM_001378454.1 (MANE Select); coding-DNA position 8963, C replaced by A.
Protein change: p.Pro2988His; replaces proline 2988 with histidine.
Molecular consequence: missense variant.
Genome position (GRCh38, 1-based): chr2:73,490,922, C>A. VCF-style: chr2-73490922-C-A. GRCh37 (hg19) VCF-style: chr2-73718049-C-A.
Other names: c.8966C>A, p.Pro2989His (NM_015120.4); short protein forms P2989H, P2988H.
Identifiers: ClinVar variation 3715916 (VCV003715916.2).

ClinVar aggregate classification (germline): Uncertain significance (1 of 4 stars; one submission).

Conditions:
Alstrom syndrome (ALMS). Identifiers: Orphanet 64, MedGen C0268425, MONDO:0008763, OMIM 203800.

gnomAD v4.1: 1 of 1,614,120 alleles (0.000062%); highest among the groups gnomAD compares: Non-Finnish European, 0.000085%; no homozygotes.

Submission:

Labcorp Genetics (formerly Invitae), Labcorp
Classification: Uncertain significance for Alstrom syndrome. Last evaluated: 2024-06-04. Review status: criteria provided, single submitter. Criteria: Invitae Variant Classification Sherloc (09022015). Collection method: clinical testing. Allele origin: germline.
Comment: This sequence change replaces proline, which is neutral and non-polar, with histidine, which is basic and polar, at codon 2989 of the ALMS1 protein (p.Pro2989His). This variant is not present in population databases (gnomAD no frequency). This variant has not been reported in the literature in individuals affected with ALMS1-related conditions. Experimental studies and prediction algorithms are not available or were not evaluated, and the functional significance of this variant is currently unknown. In summary, the available evidence is currently insufficient to determine the role of this variant in disease. Therefore, it has been classified as a Variant of Uncertain Significance.